The following is an entry in ClinVar:

ClinVar aggregate classification (germline): Conflicting classifications of pathogenicity. Review status: criteria provided, conflicting classifications (1 of 4 stars). 4 submissions from 4 submitters: Uncertain significance (3); Likely benign (1). Last evaluated 2025-12-03.

Conditions:
SH3TC2-related disorder. Also called: SH3TC2-related disorders; SH3TC2-related condition. Identifiers: MedGen CN239303.
Inborn genetic diseases. Identifiers: MedGen C0950123, MeSH D030342.
Charcot-Marie-Tooth disease type 4. Also called: Charcot-Marie-Tooth disease, type IV; Charcot-Marie-Tooth, Type 4. Identifiers: Orphanet 64749, MedGen C4082197, MONDO:0018995.

Allele frequency attached by ClinVar (database versions not stated): gnomAD 0.00013; TOPMed 0.00024; ESP Exome Variant Server 0.00038.

Submissions (4):

PreventionGenetics, part of Exact Sciences
Classification: Uncertain significance for SH3TC2-related condition. Last evaluated: 2025-12-03. Review status: criteria provided, single submitter. Criteria: ACMG Guidelines, 2015. Collection method: clinical testing. Allele origin: germline.
Comment: The SH3TC2 c.836A>G variant is predicted to result in the amino acid substitution p.Tyr279Cys. To our knowledge, this variant has not been reported in the literature. This variant is reported in 0.056% of alleles in individuals of African descent in gnomAD. Although we suspect that this variant may be benign, at this time, the clinical significance of this variant is uncertain due to the absence of conclusive functional and genetic evidence.

Labcorp Genetics (formerly Invitae), Labcorp
Classification: Likely benign for Charcot-Marie-Tooth disease type 4. Last evaluated: 2025-10-07. Review status: criteria provided, single submitter. Criteria: Invitae Variant Classification Sherloc (09022015). Collection method: clinical testing. Allele origin: germline.

Ambry Genetics
Classification: Uncertain significance for Inborn genetic diseases. Last evaluated: 2025-03-22. Review status: criteria provided, single submitter. Criteria: Ambry Variant Classification Scheme 2023. Collection method: clinical testing. Allele origin: germline.

GeneDx
Classification: Uncertain significance. Last evaluated: 2021-12-08. Review status: criteria provided, single submitter. Criteria: GeneDx Variant Classification Process June 2021. Collection method: clinical testing. Allele origin: germline. Affected: yes.
Comment: In silico analysis supports that this missense variant has a deleterious effect on protein structure/function; Has not been previously published as pathogenic or benign to our knowledge

NM_024577.4(SH3TC2):c.836A>G (p.Tyr279Cys)

Gene: SH3TC2 (SH3 domain and tetratricopeptide repeats 2; minus strand). Cytogenetic location: 5q32.
Variant type: single nucleotide variant.
Coding change: c.836A>G on transcript NM_024577.4 (MANE Select); coding-DNA position 836, A replaced by G.
Protein change: p.Tyr279Cys; replaces tyrosine 279 with cysteine.
Molecular consequence: missense variant.
Genome position (GRCh38, 1-based): chr5:149,038,460, T>C on the plus strand (A>G on the coding strand, the complement: SH3TC2 is on the minus strand). VCF-style: chr5-149038460-T-C. GRCh37 (hg19) VCF-style: chr5-148418023-T-C.
Other names: short protein forms Y279C.
Identifiers: ClinVar variation 245804 (VCV000245804.15), dbSNP rs200215156, ClinGen allele CA3499364.